The following is an entry in ClinVar:

NM_000057.4(BLM):c.2979T>C (p.Tyr993=)

Gene: BLM (BLM RecQ like helicase; plus strand). Cytogenetic location: 15q26.1.
Variant type: single nucleotide variant.
Coding change: c.2979T>C on transcript NM_000057.4 (MANE Select); coding-DNA position 2979, T replaced by C.
Protein change: p.Tyr993=; no amino-acid change (tyrosine 993 retained).
Molecular consequence: synonymous variant.
Genome position (GRCh38, 1-based): chr15:90,790,804, T>C. VCF-style: chr15-90790804-T-C. GRCh37 (hg19) VCF-style: chr15-91334034-T-C.
Other names: c.2979T>C, p.Tyr993= (NM_001287246.2, NM_001287247.2); c.1854T>C, p.Tyr618= (NM_001287248.2).
Identifiers: ClinVar variation 1112136 (VCV001112136.19), dbSNP rs1896887595, ClinGen allele CA492164276.
Genomic context (GRCh38, chr15:90,790,804, plus strand): 5'-CTACCAAGAATCTGGCAGAGCTGGAAGAGATGGGGAAATATCTCACTGCCTGCTTTTCTA[T>C]ACCTATCATGATGTGACCAGACTGAAAAGACTTATAATGAGTAAGCTGGGCTCCATTGTA-3'
Protein context (NP_000048.1, residues 983-1003): DGEISHCLLF[Tyr993=]TYHDVTRLKR

ClinVar aggregate classification (germline): Likely benign. Review status: criteria provided, multiple submitters, no conflicts (2 of 4 stars). 3 submissions from 3 submitters: Likely benign (3). Last evaluated 2025-08-01.

Conditions:
Hereditary cancer-predisposing syndrome. Also called: Neoplastic Syndromes, Hereditary; Tumor predisposition; Hereditary neoplastic syndrome; Hereditary Cancer Syndrome. Identifiers: Orphanet 140162, MedGen C0027672, MeSH D009386, MONDO:0015356.
Bloom syndrome (BLM). Also called: Bloom-Torre-Machacek syndrome. Identifiers: Orphanet 125, MedGen C0005859, MONDO:0008876, OMIM 210900.

Allele frequency attached by ClinVar (database versions not stated): gnomAD 0.00001.
gnomAD v4.1: 1 of 1,614,082 alleles (0.000062%); highest among the groups gnomAD compares: Non-Finnish European, 0.000085%; no homozygotes.

Submissions (3):

CeGaT Center for Human Genetics Tuebingen
Classification: Likely benign. Last evaluated: 2025-08-01. Review status: criteria provided, single submitter. Criteria: CeGaT Center For Human Genetics Tuebingen Variant Classification Criteria Version 2. Collection method: clinical testing. Allele origin: germline. Affected: yes. Observed: 1 variant allele.
Comment: BLM: BP4, BP7

Labcorp Genetics (formerly Invitae), Labcorp
Classification: Likely benign for Bloom syndrome. Last evaluated: 2024-01-29. Review status: criteria provided, single submitter. Criteria: Invitae Variant Classification Sherloc (09022015). Collection method: clinical testing. Allele origin: germline.

Ambry Genetics
Classification: Likely benign for Hereditary cancer-predisposing syndrome. Last evaluated: 2021-09-09. Review status: criteria provided, single submitter. Criteria: Ambry Variant Classification Scheme 2023. Collection method: clinical testing. Allele origin: germline.